The following is an entry in ClinVar:

NM_015272.5(RPGRIP1L):c.633-1G>C

Gene: RPGRIP1L (RPGRIP1 like; minus strand). Cytogenetic location: 16q12.2.
Variant type: single nucleotide variant.
Coding change: c.633-1G>C on transcript NM_015272.5 (MANE Select); the canonical splice acceptor site of the intron before coding-DNA position 633, G replaced by C.
Molecular consequence: splice acceptor variant.
Genome position (GRCh38, 1-based): chr16:53,686,577, C>G on the plus strand (G>C on the coding strand, the complement: RPGRIP1L is on the minus strand). VCF-style: chr16-53686577-C-G. GRCh37 (hg19) VCF-style: chr16-53720489-C-G.
Other names: c.633-1G>C (NM_001127897.4, NM_001330538.2, NM_001308334.3).
Identifiers: ClinVar variation 1480887 (VCV001480887.8), dbSNP rs2151318564, ClinGen allele CA395924352.

ClinVar aggregate classification (germline): Likely pathogenic (1 of 4 stars; one submission).

Conditions:
Meckel-Gruber syndrome. Also called: DYSENCEPHALIA SPLANCHNOCYSTICA; GRUBER SYNDROME; Dysencephalia splachnocystica. Identifiers: Orphanet 564, MedGen C0265215, MONDO:0018921.
Joubert syndrome. Also called: CEREBELLOPARENCHYMAL DISORDER IV; JOUBERT-BOLTSHAUSER SYNDROME; Familial aplasia of the vermis. Identifiers: Orphanet 475, MedGen C5979921, MONDO:0018772.

Submission:

Labcorp Genetics (formerly Invitae), Labcorp
Classification: Likely pathogenic for Joubert syndrome; Meckel-Gruber syndrome. Last evaluated: 2021-04-13. Review status: criteria provided, single submitter. Criteria: Invitae Variant Classification Sherloc (09022015). Collection method: clinical testing. Allele origin: germline.
Comment: This sequence change affects an acceptor splice site in intron 5 of the RPGRIP1L gene. It is expected to disrupt RNA splicing. Variants that disrupt the donor or acceptor splice site typically lead to a loss of protein function (PMID: 16199547), and loss-of-function variants in RPGRIP1L are known to be pathogenic (PMID: 17558409). In summary, the currently available evidence indicates that the variant is pathogenic, but additional data are needed to prove that conclusively. Therefore, this variant has been classified as Likely Pathogenic. Algorithms developed to predict the effect of sequence changes on RNA splicing suggest that this variant may disrupt the consensus splice site, but this prediction has not been confirmed by published transcriptional studies. This variant has not been reported in the literature in individuals with RPGRIP1L-related conditions. This variant is not present in population databases (ExAC no frequency).

Literature cited by the submitters: PubMed 16199547; PubMed 17558409.